The following is an entry in ClinVar:

NM_001035.3(RYR2):c.2829G>A (p.Leu943=)

Gene: RYR2 (ryanodine receptor 2; plus strand). Cytogenetic location: 1q43.
Variant type: single nucleotide variant.
Coding change: c.2829G>A on transcript NM_001035.3 (MANE Select); coding-DNA position 2829, G replaced by A.
Protein change: p.Leu943=; no amino-acid change (leucine 943 retained).
Molecular consequence: synonymous variant.
Genome position (GRCh38, 1-based): chr1:237,530,433, G>A. VCF-style: chr1-237530433-G-A. GRCh37 (hg19) VCF-style: chr1-237693733-G-A.
Identifiers: ClinVar variation 3895230 (VCV003895230.1).

ClinVar aggregate classification (germline): Likely benign (1 of 4 stars; one submission).

Submission:

Molecular Diagnostic Laboratory for Inherited Cardiovascular Disease, Montreal Heart Institute
Classification: Likely benign. Last evaluated: 2025-04-09. Review status: criteria provided, single submitter. Criteria: ACMG Guidelines, 2015. Collection method: clinical testing. Allele origin: germline. Affected: no.
Comment: BP7